The following is an entry in ClinVar:

NM_024426.6(WT1):c.507_511delinsCACTGT (p.Ser170fs)

Genes: WT1 (WT1 transcription factor; minus strand), LOC107982234 (WT1/WT1-AS bi-directional promoter region; plus strand). Cytogenetic location: 11p13.
Variant type: Indel.
Coding change: c.507_511delinsCACTGT on transcript NM_024426.6 (MANE Select); coding-DNA positions 507 to 511, TTCCG replaced by CACTGT.
Protein change: p.Ser170fs; shifts the reading frame from serine 170.
Molecular consequence: frameshift variant. On other transcripts: non-coding transcript variant (1).
Genome position (GRCh38, 1-based): chr11:32,434,850-32,434,854, CGGAA replaced by ACAGTG on the plus strand (TTCCG replaced by CACTGT on the coding strand, the reverse complement: WT1 is on the minus strand). VCF-style: chr11-32434850-CGGAA-ACAGTG. GRCh37 (hg19) VCF-style: chr11-32456396-CGGAA-ACAGTG.
Other names: c.507_511delinsCACTGT, p.Ser170fs (NM_000378.6, NM_024424.5); c.507_511delTTCCGinsCACTGT, p.Ser170Thrfs (NM_001407044.1, NM_001407045.1, NM_001407046.1 and 4 more transcripts); c.492_496delTTCCGinsCACTGT, p.Ser165Thrfs (NM_024425.2); short protein forms S170fs.
Identifiers: ClinVar variation 2099254 (VCV002099254.4), dbSNP rs2494478246, ClinGen allele CA2580084156.

ClinVar aggregate classification (germline): Pathogenic (1 of 4 stars; one submission).

Conditions:
Drash syndrome (DDS). Also called: NEPHROPATHY, WILMS TUMOR, AND GENITAL ANOMALIES; WILMS TUMOR AND PSEUDO- OR TRUE HERMAPHRODITISM. Identifiers: Orphanet 220, MedGen C0950121, MONDO:0008682, OMIM 194080.
Frasier syndrome. Identifiers: Orphanet 347, MedGen C0950122, MeSH D052159, MONDO:0007635, OMIM 136680.
Wilms tumor 1 (WT1). Also called: Wilms tumor, somatic. Identifiers: Orphanet 654, MedGen CN033288, MONDO:0008679, OMIM 194070.
11p partial monosomy syndrome (WAGR). Also called: CHROMOSOME 11p13 DELETION SYNDROME; WAGR syndrome; WAGR Complex; WAGR Spectrum Disorder. Identifiers: Orphanet 893, MedGen C0206115, MONDO:0008681, OMIM 194072.

Submission:

Labcorp Genetics (formerly Invitae), Labcorp
Classification: Pathogenic for Wilms tumor 1; Drash syndrome; 11p partial monosomy syndrome; Frasier syndrome. Last evaluated: 2022-03-29. Review status: criteria provided, single submitter. Criteria: Invitae Variant Classification Sherloc (09022015). Collection method: clinical testing. Allele origin: germline.
Comment: For these reasons, this variant has been classified as Pathogenic. This variant has not been reported in the literature in individuals affected with WT1-related conditions. Information on the frequency of this variant in the gnomAD database is not available, as this variant may be reported differently in the database. This sequence change creates a premature translational stop signal (p.Ser165Thrfs*34) in the WT1 gene. It is expected to result in an absent or disrupted protein product. Loss-of-function variants in WT1 are known to be pathogenic (PMID: 15150775).

Literature cited by the submitters: PubMed 15150775.